The following is an entry in ClinVar:

ClinVar aggregate classification (germline): Conflicting classifications of pathogenicity. Review status: criteria provided, conflicting classifications (1 of 4 stars). 4 submissions from 4 submitters: Uncertain significance (3); Likely benign (1). Last evaluated 2025-07-09.

Conditions:
Hereditary cancer-predisposing syndrome. Also called: Hereditary Cancer Syndrome; Hereditary neoplastic syndrome; Neoplastic Syndromes, Hereditary; Tumor predisposition. Identifiers: Orphanet 140162, MedGen C0027672, MeSH D009386, MONDO:0015356.
Hereditary breast ovarian cancer syndrome. Also called: Hereditary breast and ovarian cancer; Breast and ovarian cancer; Hereditary breast and ovarian cancer syndrome; Hereditary breast and/or ovarian cancer syndrome; BRCA1- and BRCA2-Associated Hereditary Breast and Ovarian Cancer; Hereditary breast and ovarian cancer syndrome (HBOC). Identifiers: Orphanet 145, MedGen C0677776, MeSH D061325, MONDO:0003582. Disease mechanism: loss of function.

Submissions (4):

Ambry Genetics
Classification: Uncertain significance for Hereditary cancer-predisposing syndrome. Last evaluated: 2025-07-09. Review status: criteria provided, single submitter. Criteria: Ambry Variant Classification Scheme 2023. Collection method: clinical testing. Allele origin: germline.
Comment: The p.A1891P variant (also known as c.5671G>C), located in coding exon 10 of the BRCA2 gene, results from a G to C substitution at nucleotide position 5671. The alanine at codon 1891 is replaced by proline, an amino acid with highly similar properties. This amino acid position is not well conserved in available vertebrate species. In addition, this alteration is predicted to be tolerated by in silico analysis. Since supporting evidence is limited at this time, the clinical significance of this alteration remains unclear.

Labcorp Genetics (formerly Invitae), Labcorp
Classification: Uncertain significance for Hereditary breast ovarian cancer syndrome. Last evaluated: 2024-05-29. Review status: criteria provided, single submitter. Criteria: Invitae Variant Classification Sherloc (09022015). Collection method: clinical testing. Allele origin: germline.
Comment: This sequence change replaces alanine, which is neutral and non-polar, with proline, which is neutral and non-polar, at codon 1891 of the BRCA2 protein (p.Ala1891Pro). This variant is not present in population databases (gnomAD no frequency). This variant has not been reported in the literature in individuals affected with BRCA2-related conditions. ClinVar contains an entry for this variant (Variation ID: 441294). Advanced modeling of protein sequence and biophysical properties (such as structural, functional, and spatial information, amino acid conservation, physicochemical variation, residue mobility, and thermodynamic stability) performed at Invitae indicates that this missense variant is not expected to disrupt BRCA2 protein function with a negative predictive value of 95%. In summary, the available evidence is currently insufficient to determine the role of this variant in disease. Therefore, it has been classified as a Variant of Uncertain Significance.

Color Diagnostics, LLC DBA Color Health
Classification: Uncertain significance for Hereditary cancer-predisposing syndrome. Last evaluated: 2024-03-06. Review status: criteria provided, single submitter. Criteria: ACMG Guidelines, 2015. Collection method: clinical testing. Allele origin: germline.
Comment: This missense variant replaces alanine with proline at codon 1891 of the BRCA2 protein. Computational prediction suggests that this variant may not impact protein structure and function (internally defined REVEL score threshold <= 0.5, PMID: 27666373). Splice site prediction tools suggest that this variant may not impact RNA splicing. To our knowledge, functional studies have not been reported for this variant. This variant has not been reported in individuals affected with hereditary cancer in the literature. This variant has not been identified in the general population by the Genome Aggregation Database (gnomAD). The available evidence is insufficient to determine the role of this variant in disease conclusively. Therefore, this variant is classified as a Variant of Uncertain Significance.

University of Washington Department of Laboratory Medicine, University of Washington
Classification: Likely benign for Hereditary cancer-predisposing syndrome. Last evaluated: 2023-03-23. Review status: criteria provided, single submitter. Criteria: Dines et al. (Genet Med. 2020). Collection method: curation. Allele origin: germline.
Comment: Missense variant in a coldspot region where missense variants are very unlikely to be pathogenic (PMID:31911673).

BRCA2 exon 11 coldspot. Reclassification based on statistical prior probability.

NM_000059.4(BRCA2):c.5671G>C (p.Ala1891Pro)

Gene: BRCA2 (BRCA2 DNA repair associated; plus strand). Cytogenetic location: 13q13.1.
Variant type: single nucleotide variant.
Coding change: c.5671G>C on transcript NM_000059.4 (MANE Select); coding-DNA position 5671, G replaced by C.
Protein change: p.Ala1891Pro; replaces alanine 1891 with proline.
Molecular consequence: missense variant.
Genome position (GRCh38, 1-based): chr13:32,340,026, G>C. VCF-style: chr13-32340026-G-C. GRCh37 (hg19) VCF-style: chr13-32914163-G-C.
Other names: short protein forms A1891P.
Identifiers: ClinVar variation 441294 (VCV000441294.19), dbSNP rs587782644, ClinGen allele CA387786203.